The following is an entry in ClinVar:

NM_012268.4(PLD3):c.1430A>G (p.Asp477Gly)

Gene: PLD3 (phospholipase D family member 3; plus strand). Cytogenetic location: 19q13.2.
Variant type: single nucleotide variant.
Coding change: c.1430A>G on transcript NM_012268.4 (MANE Select); coding-DNA position 1430, A replaced by G.
Protein change: p.Asp477Gly; replaces aspartic acid 477 with glycine.
Molecular consequence: missense variant.
Genome position (GRCh38, 1-based): chr19:40,378,130, A>G. VCF-style: chr19-40378130-A-G. GRCh37 (hg19) VCF-style: chr19-40884037-A-G.
Other names: p.Asp477Gly; c.1430A>G, p.Asp477Gly (NM_001031696.4, NM_001291311.2); short protein forms D477G.
Identifiers: ClinVar variation 4684376 (VCV004684376.2).

ClinVar aggregate classification (germline): Likely benign. Review status: criteria provided, multiple submitters, no conflicts (2 of 4 stars). 2 submissions from 2 submitters: Likely benign (2). Last evaluated 2025-04-25.

gnomAD v4.1: 171 of 1,613,444 alleles (0.011%); highest among the groups gnomAD compares: Admixed American, 0.0083%; no homozygotes.

Submissions (2):

Labcorp Genetics (formerly Invitae), Labcorp
Classification: Likely benign. Last evaluated: 2025-04-25. Review status: criteria provided, single submitter. Criteria: Invitae Variant Classification Sherloc (09022015). Collection method: clinical testing. Allele origin: germline.

Mayo Clinic Laboratories, Mayo Clinic
Classification: Likely benign. Last evaluated: 2025-01-29. Review status: criteria provided, single submitter. Criteria: ACMG Guidelines, 2015. Collection method: clinical testing. Allele origin: germline. Observed: 1 variant allele.
Comment: BS2, BP4_moderate

Literature cited by the submitters: PubMed 27081517 (cited by Mayo Clinic Laboratories, Mayo Clinic).